The following is an entry in ClinVar:

ClinVar aggregate classification (germline): Uncertain significance (1 of 4 stars; one submission).

Allele frequency attached by ClinVar (database versions not stated): gnomAD exomes below 0.00001.

Submission:

Labcorp Genetics (formerly Invitae), Labcorp
Classification: Uncertain significance. Last evaluated: 2022-07-22. Review status: criteria provided, single submitter. Criteria: Invitae Variant Classification Sherloc (09022015). Collection method: clinical testing. Allele origin: germline.
Comment: In summary, the available evidence is currently insufficient to determine the role of this variant in disease. Therefore, it has been classified as a Variant of Uncertain Significance. Algorithms developed to predict the effect of missense changes on protein structure and function (SIFT, PolyPhen-2, Align-GVGD) all suggest that this variant is likely to be tolerated. ClinVar contains an entry for this variant (Variation ID: 1393783). This variant has not been reported in the literature in individuals affected with PPP3CA-related conditions. This variant is present in population databases (no rsID available, gnomAD 0.0009%). This sequence change replaces threonine, which is neutral and polar, with arginine, which is basic and polar, at codon 66 of the PPP3CA protein (p.Thr66Arg).

NM_000944.5(PPP3CA):c.197C>G (p.Thr66Arg)

Gene: PPP3CA (protein phosphatase 3 catalytic subunit alpha; minus strand). Cytogenetic location: 4q24.
Variant type: single nucleotide variant.
Coding change: c.197C>G on transcript NM_000944.5 (MANE Select); coding-DNA position 197, C replaced by G.
Protein change: p.Thr66Arg; replaces threonine 66 with arginine.
Molecular consequence: missense variant.
Genome position (GRCh38, 1-based): chr4:101,195,978, G>C on the plus strand (C>G on the coding strand, the complement: PPP3CA is on the minus strand). VCF-style: chr4-101195978-G-C. GRCh37 (hg19) VCF-style: chr4-102117135-G-C.
Other names: c.197C>G, p.Thr66Arg (NM_001130691.2, NM_001130692.2); short protein forms T66R.
Identifiers: ClinVar variation 1393783 (VCV001393783.6), dbSNP rs1243795414, ClinGen allele CA357950844.
Genomic context (GRCh38, chr4:101,195,978, plus strand): 5'-GTGACTGGCGCATCAATATCCAGCAAATTTTTTTCCTGTCGAAGAATTGATGCACCCTCT[G>C]TTATTATTCTCAATGCAACACTCTCTTCCAGCCTTCCCTCCTTCATAAGATGCGCCTTTA-3'
Protein context (NP_000935.1, residues 56-76): LEESVALRII[Thr66Arg]EGASILRQEK